The following is an entry in ClinVar:

NM_015046.7(SETX):c.1143C>T (p.Asn381=)

Gene: SETX (senataxin; minus strand). Cytogenetic location: 9q34.13.
Variant type: single nucleotide variant.
Coding change: c.1143C>T on transcript NM_015046.7 (MANE Select); coding-DNA position 1143, C replaced by T.
Protein change: p.Asn381=; no amino-acid change (asparagine 381 retained).
Molecular consequence: synonymous variant.
Genome position (GRCh38, 1-based): chr9:132,330,455, G>A on the plus strand (C>T on the coding strand, the complement: SETX is on the minus strand). VCF-style: chr9-132330455-G-A. GRCh37 (hg19) VCF-style: chr9-135205842-G-A.
Other names: p.Asn381=; c.1143C>T, p.Asn381= (NM_001351527.2, NM_001351528.2).
Identifiers: ClinVar variation 4683448 (VCV004683448.1).

ClinVar aggregate classification (germline): Likely benign (1 of 4 stars; one submission).

Submission:

Mayo Clinic Laboratories, Mayo Clinic
Classification: Likely benign. Last evaluated: 2025-12-07. Review status: criteria provided, single submitter. Criteria: ACMG Guidelines, 2015. Collection method: clinical testing. Allele origin: germline. Observed: 1 variant allele.
Comment: BP4, BP7